The following is an entry in ClinVar:

ClinVar aggregate classification (germline): Uncertain significance (1 of 4 stars; one submission).

Conditions:
Cardiovascular phenotype. Identifiers: MedGen CN230736.

gnomAD v4.1: 1 of 1,614,070 alleles (0.000062%); highest among the groups gnomAD compares: South Asian, 0.0011%; no homozygotes.

Submission:

Ambry Genetics
Classification: Uncertain significance for Cardiovascular phenotype. Last evaluated: 2025-11-10. Review status: criteria provided, single submitter. Criteria: Ambry Variant Classification Scheme 2023. Collection method: clinical testing. Allele origin: germline.
Comment: The p.W303R variant (also known as c.907T>C), located in coding exon 6 of the CBL gene, results from a T to C substitution at nucleotide position 907. The tryptophan at codon 303 is replaced by arginine, an amino acid with dissimilar properties. This amino acid position is conserved. In addition, this alteration is predicted to be deleterious by in silico analysis. Based on the available evidence, the clinical significance of this variant remains unclear.

NM_005188.4(CBL):c.907T>C (p.Trp303Arg)

Gene: CBL (Cbl proto-oncogene; plus strand). Cytogenetic location: 11q23.3.
Variant type: single nucleotide variant.
Coding change: c.907T>C on transcript NM_005188.4 (MANE Select); coding-DNA position 907, T replaced by C.
Protein change: p.Trp303Arg; replaces tryptophan 303 with arginine.
Molecular consequence: missense variant.
Genome position (GRCh38, 1-based): chr11:119,276,034, T>C. VCF-style: chr11-119276034-T-C. GRCh37 (hg19) VCF-style: chr11-119146744-T-C.
Other names: short protein forms W303R.
Identifiers: ClinVar variation 4613865 (VCV004613865.1).
Genomic context (GRCh38, chr11:119,276,034, plus strand): 5'-CTTCTGTTTATGTCTGTTCATAGTTATATCTTCCGGCTGAGCTGTACTCGTCTGGGTCAG[T>C]GGGCTATTGGGTATGTTACTGCTGATGGGAACATTCTCCAGACAATCCCTCACAATAAAC-3'
Protein context (NP_005179.2, residues 293-313): FRLSCTRLGQ[Trp303Arg]AIGYVTADGN